The following is an entry in ClinVar:

NM_053013.4(ENO3):c.699G>A (p.Ala233=)

Gene: ENO3 (enolase 3; plus strand). Cytogenetic location: 17p13.2.
Variant type: single nucleotide variant.
Coding change: c.699G>A on transcript NM_053013.4 (MANE Select); coding-DNA position 699, G replaced by A.
Protein change: p.Ala233=; no amino-acid change (alanine 233 retained).
Molecular consequence: synonymous variant.
Genome position (GRCh38, 1-based): chr17:4,955,438, G>A. VCF-style: chr17-4955438-G-A. GRCh37 (hg19) VCF-style: chr17-4858733-G-A.
Other names: p.Ala233=; c.570G>A, p.Ala190= (NM_001193503.2); c.699G>A, p.Ala233= (NM_001976.5).
Identifiers: ClinVar variation 669156 (VCV000669156.3), dbSNP rs745882984, ClinGen allele CA8316400.
Genomic context (GRCh38, chr17:4,955,438, plus strand): 5'-TCTCAGGTCCTTTCTTGGTCCTCCCCCAGCCCTGGAGCTGCTGAAGACGGCCATCCAGGC[G>A]GCTGGTTACCCAGACAAGGTGGTGATCGGCATGGATGTGGCAGCATCTGAGTTCTATCGC-3'
Protein context (NP_443739.3, residues 223-243): ALELLKTAIQ[Ala233=]AGYPDKVVIG

ClinVar aggregate classification (germline): Likely benign. Review status: criteria provided, multiple submitters, no conflicts (2 of 4 stars). 3 submissions from 3 submitters: Likely benign (3). Last evaluated 2025-06-17.

Conditions:
Glycogen storage disease due to muscle beta-enolase deficiency (GSD13). Also called: ENOLASE 3 DEFICIENCY; ENOLASE-BETA DEFICIENCY; GSD XIII; Glycogen Storage Disease Type XIII. Identifiers: Orphanet 99849, MedGen C2752027, MONDO:0013046, OMIM 612932.

Allele frequency attached by ClinVar (database versions not stated): gnomAD 0.00001; TOPMed 0.00001.
gnomAD v4.1: 17 of 1,614,114 alleles (0.0011%); highest among the groups gnomAD compares: Admixed American, 0.005%; no homozygotes.

Submissions (3):

Labcorp Genetics (formerly Invitae), Labcorp
Classification: Likely benign for Glycogen storage disease due to muscle beta-enolase deficiency. Last evaluated: 2025-06-17. Review status: criteria provided, single submitter. Criteria: Invitae Variant Classification Sherloc (09022015). Collection method: clinical testing. Allele origin: germline.

Mayo Clinic Laboratories, Mayo Clinic
Classification: Likely benign. Last evaluated: 2025-02-05. Review status: criteria provided, single submitter. Criteria: ACMG Guidelines, 2015. Collection method: clinical testing. Allele origin: germline. Observed: 1 variant allele.
Comment: BP4, BP7

GeneDx
Classification: Likely benign. Last evaluated: 2018-06-18. Review status: criteria provided, single submitter. Criteria: GeneDx Variant Classification (06012015). Collection method: clinical testing. Allele origin: germline. Affected: yes.
Comment: This variant is considered likely benign or benign based on one or more of the following criteria: it is a conservative change, it occurs at a poorly conserved position in the protein, it is predicted to be benign by multiple in silico algorithms, and/or has population frequency not consistent with disease.